The following is an entry in ClinVar:

NM_006904.7(PRKDC):c.9610A>G (p.Asn3204Asp)

Gene: PRKDC (protein kinase, DNA-activated, catalytic subunit; minus strand). Cytogenetic location: 8q11.21.
Variant type: single nucleotide variant.
Coding change: c.9610A>G on transcript NM_006904.7 (MANE Select); coding-DNA position 9610, A replaced by G.
Protein change: p.Asn3204Asp; replaces asparagine 3204 with aspartic acid.
Molecular consequence: missense variant.
Genome position (GRCh38, 1-based): chr8:47,807,274, T>C on the plus strand (A>G on the coding strand, the complement: PRKDC is on the minus strand). VCF-style: chr8-47807274-T-C. GRCh37 (hg19) VCF-style: chr8-48719835-T-C.
Other names: c.9610A>G, p.Asn3204Asp (NM_001081640.2); short protein forms N3204D.
Identifiers: ClinVar variation 1767575 (VCV001767575.2), dbSNP rs2551863836, ClinGen allele CA371137610.

ClinVar aggregate classification (germline): Uncertain significance (1 of 4 stars; one submission).

Submission:

Ambry Genetics
Classification: Uncertain significance. Last evaluated: 2021-12-29. Review status: criteria provided, single submitter. Criteria: Ambry Variant Classification Scheme 2023. Collection method: clinical testing. Allele origin: germline.
Comment: The p.N3204D variant (also known as c.9610A>G), located in coding exon 69 of the PRKDC gene, results from an A to G substitution at nucleotide position 9610. The asparagine at codon 3204 is replaced by aspartic acid, an amino acid with highly similar properties. This amino acid position is conserved. In addition, this alteration is predicted to be tolerated by in silico analysis. Since supporting evidence is limited at this time, the clinical significance of this alteration remains unclear.